The following is an entry in ClinVar:

ClinVar aggregate classification (germline): Uncertain significance (1 of 4 stars; one submission).

Conditions:
Inborn genetic diseases. Identifiers: MedGen C0950123, MeSH D030342.

Submission:

Ambry Genetics
Classification: Uncertain significance for Inborn genetic diseases. Last evaluated: 2025-04-17. Review status: criteria provided, single submitter. Criteria: Ambry Variant Classification Scheme 2023. Collection method: clinical testing. Allele origin: germline.
Comment: The p.C418F variant (also known as c.1253G>T), located in coding exon 7 of the FANCM gene, results from a G to T substitution at nucleotide position 1253. The cysteine at codon 418 is replaced by phenylalanine, an amino acid with highly dissimilar properties. This amino acid position is conserved. In addition, this alteration is predicted to be tolerated by in silico analysis. Based on the available evidence, the clinical significance of this variant remains unclear.

NM_020937.4(FANCM):c.1253G>T (p.Cys418Phe)

Gene: FANCM (FA complementation group M; plus strand). Cytogenetic location: 14q21.2.
Variant type: single nucleotide variant.
Coding change: c.1253G>T on transcript NM_020937.4 (MANE Select); coding-DNA position 1253, G replaced by T.
Protein change: p.Cys418Phe; replaces cysteine 418 with phenylalanine.
Molecular consequence: missense variant.
Genome position (GRCh38, 1-based): chr14:45,154,766, G>T. VCF-style: chr14-45154766-G-T. GRCh37 (hg19) VCF-style: chr14-45623969-G-T.
Other names: c.1175G>T, p.Cys392Phe (NM_001308133.2); c.1253G>T, p.Cys418Phe (NM_001308134.2); short protein forms C392F, C418F.
Identifiers: ClinVar variation 4022693 (VCV004022693.1).